The following is an entry in ClinVar:

ClinVar aggregate classification (germline): Uncertain significance. Review status: criteria provided, multiple submitters, no conflicts (2 of 4 stars). 5 submissions from 5 submitters: Uncertain significance (5). Last evaluated 2026-01-26.

Conditions:
Neuropathy, hereditary sensory and autonomic, type 2A (HSAN2A). Also called: MORVAN DISEASE; NEUROPATHY, CONGENITAL SENSORY; NEUROPATHY, HEREDITARY SENSORY RADICULAR, AUTOSOMAL RECESSIVE; NEUROPATHY, HEREDITARY SENSORY, TYPE IIA; NEUROPATHY, PROGRESSIVE SENSORY, OF CHILDREN; HSAN IIA. Identifiers: Orphanet 970, MedGen C2752089, MONDO:0024309, OMIM 201300.
Generalized epilepsy with febrile seizures plus, type 7 (GEFSP7). Also called: GEFS+, TYPE 7. Identifiers: Orphanet 36387, MedGen C2751778, MONDO:0013470, OMIM 613863.
Inborn genetic diseases. Identifiers: MedGen C0950123, MeSH D030342.

Allele frequency attached by ClinVar (database versions not stated): gnomAD exomes 0.00004 and 0.00007; gnomAD 0.00005; TOPMed 0.00005; ExAC 0.00007; ESP Exome Variant Server 0.00017.
gnomAD v4.1: 72 of 1,582,772 alleles (0.0045%); highest among the groups gnomAD compares: East Asian, 0.0067%; no homozygotes.

Submissions (5):

Labcorp Genetics (formerly Invitae), Labcorp
Classification: Uncertain significance for Neuropathy, hereditary sensory and autonomic, type 2A; Generalized epilepsy with febrile seizures plus, type 7. Last evaluated: 2026-01-26. Review status: criteria provided, single submitter. Criteria: Invitae Variant Classification Sherloc (09022015). Collection method: clinical testing. Allele origin: germline.
Comment: This sequence change replaces arginine, which is basic and polar, with histidine, which is basic and polar, at codon 372 of the SCN9A protein (p.Arg372His). This variant is present in population databases (rs201071819, gnomAD 0.08%). This variant has not been reported in the literature in individuals affected with SCN9A-related conditions. ClinVar contains an entry for this variant (Variation ID: 245825). Invitae Evidence Modeling of protein sequence and biophysical properties (such as structural, functional, and spatial information, amino acid conservation, physicochemical variation, residue mobility, and thermodynamic stability) indicates that this missense variant is not expected to disrupt SCN9A protein function with a negative predictive value of 80%. In summary, the available evidence is currently insufficient to determine the role of this variant in disease. Therefore, it has been classified as a Variant of Uncertain Significance.

Ambry Genetics
Classification: Uncertain significance for Inborn genetic diseases. Last evaluated: 2024-07-05. Review status: criteria provided, single submitter. Criteria: Ambry Variant Classification Scheme 2023. Collection method: clinical testing. Allele origin: germline.

Mayo Clinic Laboratories, Mayo Clinic
Classification: Uncertain significance. Last evaluated: 2024-05-23. Review status: criteria provided, single submitter. Criteria: ACMG Guidelines, 2015. Collection method: clinical testing. Allele origin: germline. Observed: 1 variant allele.
Comment: PP3

GeneDx
Classification: Uncertain significance. Last evaluated: 2019-09-24. Review status: criteria provided, single submitter. Criteria: GeneDx Variant Classification Process June 2021. Collection method: clinical testing. Allele origin: germline. Affected: yes.
Comment: In silico analysis, which includes protein predictors and evolutionary conservation, supports a deleterious effect; Has not been previously published as pathogenic or benign to our knowledge

ARUP Laboratories, Molecular Genetics and Genomics, ARUP Laboratories
Classification: Uncertain significance. Last evaluated: 2018-05-02. Review status: criteria provided, single submitter. Criteria: ARUP Molecular Germline Variant Investigation Process. Collection method: clinical testing. Allele origin: germline.
Comment: The p.Arg372His variant (rs201071819) has not been reported in the medical literature, gene specific variation databases, nor has it been previously identified by our laboratory. This variant is listed in the Genome Aggregation Database (gnomAD) with a frequency of 0.08 percent in the Ashkenazi Jewish population (identified on 8 out of 9,466 chromosomes) and has been reported to the ClinVar database as uncertain significance (Variation ID: 245825). The arginine at position 372 is highly conserved up to platypus considering 12 species (Alamut v2.11) and computational analyses of the p.Arg372His variant on protein structure and function indicate a deleterious effect (SIFT: damaging, PolyPhen-2: probably damaging). Altogether, there is not enough evidence to classify the p.Arg372His variant with certainty.

NM_001365536.1(SCN9A):c.1115G>A (p.Arg372His)

Genes: SCN1A-AS1 (SCN1A and SCN9A antisense RNA 1; plus strand), SCN9A (sodium voltage-gated channel alpha subunit 9; minus strand). Cytogenetic location: 2q24.3.
Variant type: single nucleotide variant.
Coding change: c.1115G>A on transcript NM_001365536.1 (MANE Select); coding-DNA position 1115, G replaced by A.
Protein change: p.Arg372His; replaces arginine 372 with histidine.
Molecular consequence: missense variant.
Genome position (GRCh38, 1-based): chr2:166,288,636, C>T on the plus strand (G>A on the coding strand, the complement: SCN9A is on the minus strand). VCF-style: chr2-166288636-C-T. GRCh37 (hg19) VCF-style: chr2-167145146-C-T.
Other names: c.1115G>A, p.Arg372His (NM_002977.4); short protein forms R372H.
Identifiers: ClinVar variation 245825 (VCV000245825.22), dbSNP rs201071819, ClinGen allele CA1944582.